The following is an entry in ClinVar:

NM_001283009.2(RTEL1):c.389C>G (p.Ser130Cys)

Genes: RTEL1 (regulator of telomere elongation helicase 1; plus strand), RTEL1-TNFRSF6B (RTEL1-TNFRSF6B readthrough (NMD candidate); plus strand). Cytogenetic location: 20q13.33.
Variant type: single nucleotide variant.
Coding change: c.389C>G on transcript NM_001283009.2 (MANE Select); coding-DNA position 389, C replaced by G.
Protein change: p.Ser130Cys; replaces serine 130 with cysteine.
Molecular consequence: missense variant. On other transcripts: non-coding transcript variant (1), 5 prime UTR variant (1).
Genome position (GRCh38, 1-based): chr20:63,661,937, C>G. VCF-style: chr20-63661937-C-G. GRCh37 (hg19) VCF-style: chr20-62293290-C-G.
Other names: c.-281C>G (NM_001283010.1); c.389C>G, p.Ser130Cys (NM_016434.4, NM_032957.5); short protein forms S130C.
Identifiers: ClinVar variation 3948441 (VCV003948441.1).
Genomic context (GRCh38, chr20:63,661,937, plus strand): 5'-TTTACGCCTCCAGGACCCACTCGCAACTCACACAGGTCATCAACGAGCTTCGGAACACCT[C>G]CTACCGGTGGGTCAGACGAGTTTACACCTGTCTCGGGGTCCTCAAGAGAACCAGCTTGGC-3'
Protein context (NP_001269938.1, residues 120-140): TQVINELRNT[Ser130Cys]YRPKVCVLGS

ClinVar aggregate classification (germline): Uncertain significance (1 of 4 stars; one submission).

Conditions:
Inborn genetic diseases. Identifiers: MedGen C0950123, MeSH D030342.

Submission:

Ambry Genetics
Classification: Uncertain significance for Inborn genetic diseases. Last evaluated: 2025-06-01. Review status: criteria provided, single submitter. Criteria: Ambry Variant Classification Scheme 2023. Collection method: clinical testing. Allele origin: germline.
Comment: The p.S130C variant (also known as c.389C>G), located in coding exon 3 of the RTEL1 gene, results from a C to G substitution at nucleotide position 389. The serine at codon 130 is replaced by cysteine, an amino acid with dissimilar properties. This amino acid position is conserved. In addition, this alteration is predicted to be tolerated by in silico analysis. Based on the available evidence, the clinical significance of this variant remains unclear.